The following is an entry in ClinVar:

NM_139057.4(ADAMTS17):c.3193A>T (p.Asn1065Tyr)

Gene: ADAMTS17 (ADAM metallopeptidase with thrombospondin type 1 motif 17; minus strand). Cytogenetic location: 15q26.3.
Variant type: single nucleotide variant.
Coding change: c.3193A>T on transcript NM_139057.4 (MANE Select); coding-DNA position 3193, A replaced by T.
Protein change: p.Asn1065Tyr; replaces asparagine 1065 with tyrosine.
Molecular consequence: missense variant.
Genome position (GRCh38, 1-based): chr15:99,974,497, T>A on the plus strand (A>T on the coding strand, the complement: ADAMTS17 is on the minus strand). VCF-style: chr15-99974497-T-A. GRCh37 (hg19) VCF-style: chr15-100514702-T-A.
Other names: short protein forms N1065Y.
Identifiers: ClinVar variation 1428403 (VCV001428403.6), dbSNP rs2141255355, ClinGen allele CA393692102.

ClinVar aggregate classification (germline): Uncertain significance (1 of 4 stars; one submission).

Submission:

Labcorp Genetics (formerly Invitae), Labcorp
Classification: Uncertain significance. Last evaluated: 2021-03-17. Review status: criteria provided, single submitter. Criteria: Invitae Variant Classification Sherloc (09022015). Collection method: clinical testing. Allele origin: germline.
Comment: This variant has not been reported in the literature in individuals with ADAMTS17-related conditions. In summary, the available evidence is currently insufficient to determine the role of this variant in disease. Therefore, it has been classified as a Variant of Uncertain Significance. Algorithms developed to predict the effect of missense changes on protein structure and function are either unavailable or do not agree on the potential impact of this missense change (SIFT: "Not Available"; PolyPhen-2: "Possibly Damaging"; Align-GVGD: "Not Available"). This variant is not present in population databases (ExAC no frequency). This sequence change replaces asparagine with tyrosine at codon 1065 of the ADAMTS17 protein (p.Asn1065Tyr). The asparagine residue is moderately conserved and there is a large physicochemical difference between asparagine and tyrosine.